The following is an entry in ClinVar:

NM_001079668.3(NKX2-1):c.978_1056del (p.Ala330fs)

Genes: NKX2-1 (NK2 homeobox 1; minus strand), SFTA3 (surfactant associated 3; minus strand). Cytogenetic location: 14q13.3.
Variant type: Deletion.
Coding change: c.978_1056del on transcript NM_001079668.3 (MANE Select); coding-DNA positions 978 to 1056, 79 bases deleted.
Protein change: p.Ala330fs; shifts the reading frame from alanine 330.
Molecular consequence: frameshift variant.
Genome position (GRCh38, 1-based): chr14:36,517,428-36,517,506, 79 bases deleted. GRCh37 (hg19): chr14:36,986,638-36,986,716.
Other names: c.888_966del, p.Ala300fs (NM_003317.4); short protein forms A300fs, A330fs.
Identifiers: ClinVar variation 3777319 (VCV003777319.2).

ClinVar aggregate classification (germline): Likely pathogenic (1 of 4 stars; one submission).

Submission:

GeneDx
Classification: Likely pathogenic. Last evaluated: 2025-04-16. Review status: criteria provided, single submitter. Criteria: GeneDx Variant Classification Process June 2021. Collection method: clinical testing. Allele origin: germline.
Comment: Identified in a family with benign hereditary chorea in published literature (PMID: 17940252); Frameshift variant predicted to result in abnormal protein length as the last 72 amino acids are replaced with 24 different amino acids, and other similar variants have been reported in HGMD; Not observed at significant frequency in large population cohorts (gnomAD); This variant is associated with the following publications: (PMID: 17940252)